The following is an entry in ClinVar:

ClinVar aggregate classification (germline): Uncertain significance (1 of 4 stars; one submission).

Conditions:
Spinocerebellar ataxia, autosomal recessive, with axonal neuropathy 2 (SCAN2). Also called: ATAXIA-OCULOMOTOR APRAXIA 2; Ataxia with Oculomotor Apraxia; Ataxia-ocular apraxia-2; Ataxia with Oculomotor Apraxia Type 2. Identifiers: Orphanet 64753, MedGen C1853761, MONDO:0018996, OMIM 606002.
Amyotrophic lateral sclerosis type 4 (ALS4). Also called: AMYOTROPHIC LATERAL SCLEROSIS 4, JUVENILE; NEURONOPATHY, DISTAL HEREDITARY MOTOR, WITH PYRAMIDAL FEATURES. Identifiers: Orphanet 357043, MedGen C1865409, MONDO:0011223, OMIM 602433.

Allele frequency attached by ClinVar (database versions not stated): gnomAD exomes below 0.00001.
gnomAD v4.1: 1 of 1,614,102 alleles (0.000062%); highest among the groups gnomAD compares: Non-Finnish European, 0.000085%; no homozygotes.

Submission:

Labcorp Genetics (formerly Invitae), Labcorp
Classification: Uncertain significance for Amyotrophic lateral sclerosis type 4; Spinocerebellar ataxia, autosomal recessive, with axonal neuropathy 2. Last evaluated: 2023-08-24. Review status: criteria provided, single submitter. Criteria: Invitae Variant Classification Sherloc (09022015). Collection method: clinical testing. Allele origin: germline.
Comment: This variant is not present in population databases (gnomAD no frequency). This variant has not been reported in the literature in individuals affected with SETX-related conditions. ClinVar contains an entry for this variant (Variation ID: 468511). Advanced modeling of protein sequence and biophysical properties (such as structural, functional, and spatial information, amino acid conservation, physicochemical variation, residue mobility, and thermodynamic stability) performed at Invitae indicates that this missense variant is not expected to disrupt SETX protein function. In summary, the available evidence is currently insufficient to determine the role of this variant in disease. Therefore, it has been classified as a Variant of Uncertain Significance. This sequence change replaces threonine, which is neutral and polar, with serine, which is neutral and polar, at codon 1557 of the SETX protein (p.Thr1557Ser).

NM_015046.7(SETX):c.4670C>G (p.Thr1557Ser)

Gene: SETX (senataxin; minus strand). Cytogenetic location: 9q34.13.
Variant type: single nucleotide variant.
Coding change: c.4670C>G on transcript NM_015046.7 (MANE Select); coding-DNA position 4670, C replaced by G.
Protein change: p.Thr1557Ser; replaces threonine 1557 with serine.
Molecular consequence: missense variant.
Genome position (GRCh38, 1-based): chr9:132,326,928, G>C on the plus strand (C>G on the coding strand, the complement: SETX is on the minus strand). VCF-style: chr9-132326928-G-C. GRCh37 (hg19) VCF-style: chr9-135202315-G-C.
Other names: c.4670C>G, p.Thr1557Ser (NM_001351527.2, NM_001351528.2); short protein forms T1557S.
Identifiers: ClinVar variation 468511 (VCV000468511.9), dbSNP rs1554820196, ClinGen allele CA375325197.
Genomic context (GRCh38, chr9:132,326,928, plus strand): 5'-TCTTCATCTGCTGCTTTCACTTCAGAGTGTTTTGGGCAGTATTCACCCTGGTTTTTTGTG[G>C]TTTCAAGACAATCTTTGTACTTACACTTTGTGCCACTCAAAGATTCCAACTGAGGCCGAC-3'
Protein context (NP_055861.3, residues 1547-1567): TKCKYKDCLE[Thr1557Ser]TKNQGEYCPK